The following is an entry in ClinVar:

NM_007194.4(CHEK2):c.152A>C (p.Gln51Pro)

Gene: CHEK2 (checkpoint kinase 2; minus strand). Cytogenetic location: 22q12.1.
Variant type: single nucleotide variant.
Coding change: c.152A>C on transcript NM_007194.4 (MANE Select); coding-DNA position 152, A replaced by C.
Protein change: p.Gln51Pro; replaces glutamine 51 with proline.
Molecular consequence: missense variant.
Genome position (GRCh38, 1-based): chr22:28,734,570, T>G on the plus strand (A>C on the coding strand, the complement: CHEK2 is on the minus strand). VCF-style: chr22-28734570-T-G. GRCh37 (hg19) VCF-style: chr22-29130558-T-G.
Other names: c.152A>C, p.Gln51Pro (NM_001005735.3, NM_001349956.3, NM_145862.3); c.-626A>C (NM_001257387.3); short protein forms Q51P.
Identifiers: ClinVar variation 953547 (VCV000953547.2), dbSNP rs2054325722, ClinGen allele CA411091004.

ClinVar aggregate classification (germline): Uncertain significance (1 of 4 stars; one submission).

Conditions:
Familial cancer of breast. Also called: hereditary breast carcinoma; Hereditary breast cancer; BREAST CANCER, FAMILIAL. Identifiers: Orphanet 227535, MedGen C0346153, MONDO:0016419, OMIM 114480. Disease mechanism: loss of function.

Submission:

Labcorp Genetics (formerly Invitae), Labcorp
Classification: Uncertain significance for Hereditary Breast Carcinoma. Last evaluated: 2019-10-02. Review status: criteria provided, single submitter. Criteria: Invitae Variant Classification Sherloc (09022015). Collection method: clinical testing. Allele origin: germline.
Comment: This sequence change replaces glutamine with proline at codon 51 of the CHEK2 protein (p.Gln51Pro). The glutamine residue is moderately conserved and there is a moderate physicochemical difference between glutamine and proline. This variant is not present in population databases (ExAC no frequency). This variant has not been reported in the literature in individuals with CHEK2-related conditions. Algorithms developed to predict the effect of missense changes on protein structure and function are either unavailable or do not agree on the potential impact of this missense change (SIFT: "Deleterious"; PolyPhen-2: "Possibly Damaging"; Align-GVGD: "Class C0"). In summary, the available evidence is currently insufficient to determine the role of this variant in disease. Therefore, it has been classified as a Variant of Uncertain Significance.